The following is an entry in ClinVar:

ClinVar aggregate classification (germline): Benign. Review status: criteria provided, multiple submitters, no conflicts (2 of 4 stars). 5 submissions from 5 submitters: Benign (4). 1 of the submissions does not count toward it. Last evaluated 2026-02-04.

Conditions:
UCP3-related disorder. Also called: UCP3-related condition.

Allele frequency attached by ClinVar (database versions not stated): gnomAD exomes 0.54953 and 0.55686; ExAC 0.56545; 1000 Genomes Project 0.59065; 1000 Genomes Project 30x 0.59447; gnomAD 0.62463 and 0.63390; TOPMed 0.62497; ESP Exome Variant Server 0.63430.
gnomAD v4.1: 897,747 of 1,613,248 alleles (56%); highest among the groups gnomAD compares: African/African-American, 82%; 254,147 homozygotes.

Submissions (5):

Labcorp Genetics (formerly Invitae), Labcorp
Classification: Benign. Last evaluated: 2026-02-04. Review status: criteria provided, single submitter. Criteria: Invitae Variant Classification Sherloc (09022015). Collection method: clinical testing. Allele origin: germline.

Blueprint Genetics
Classification: Benign. Last evaluated: 2024-11-27. Review status: criteria provided, single submitter. Criteria: ACMG Guidelines, 2015. Collection method: clinical testing. Allele origin: germline.

GeneDx
Classification: Benign. Last evaluated: 2018-10-29. Review status: criteria provided, single submitter. Criteria: GeneDx Variant Classification Process June 2021. Collection method: clinical testing. Allele origin: germline. Affected: yes.

Breakthrough Genomics
Classification: Benign. Review status: criteria provided, single submitter. Criteria: ACMG Guidelines, 2015. Collection method: not provided. Allele origin: germline. Inheritance: Autosomal recessive inheritance. Affected: yes.

PreventionGenetics, part of Exact Sciences
Classification: Benign for UCP3-related condition. Last evaluated: 2020-03-17. Review status: no assertion criteria provided. Collection method: clinical testing. Allele origin: germline. Not counted in ClinVar's aggregate classification.
Comment: This variant is classified as benign based on ACMG/AMP sequence variant interpretation guidelines (Richards et al. 2015 PMID: 25741868, with internal and published modifications).

NM_003356.4(UCP3):c.630C>T (p.Tyr210=)

Genes: UCP3 (uncoupling protein 3; minus strand), LOC126861261 (MED14-independent group 3 enhancer GRCh37_chr11:73715060-73716259; plus strand). Cytogenetic location: 11q13.4.
Variant type: single nucleotide variant.
Coding change: c.630C>T on transcript NM_003356.4 (MANE Select); coding-DNA position 630, C replaced by T.
Protein change: p.Tyr210=; no amino-acid change (tyrosine 210 retained).
Molecular consequence: synonymous variant.
Genome position (GRCh38, 1-based): chr11:74,004,497, G>A on the plus strand (C>T on the coding strand, the complement: UCP3 is on the minus strand). VCF-style: chr11-74004497-G-A. GRCh37 (hg19) VCF-style: chr11-73715542-G-A.
Other names: c.630C>T, p.Tyr210= (NM_022803.3).
Identifiers: ClinVar variation 1221961 (VCV001221961.15), dbSNP rs2075577, ClinGen allele CA6181424.